The following is an entry in ClinVar:

ClinVar aggregate classification (germline): Uncertain significance (1 of 4 stars; one submission).

Conditions:
Mucopolysaccharidosis, MPS-III-C (MPS3C). Also called: SANFILIPPO SYNDROME C; MPS III C; MPS IIIC (Sanfilippo Syndrome Type C); MUCOPOLYSACCHARIDOSIS, TYPE IIIC; Mucopolysaccharidosis type IIIC (Sanfilippo C); mucopolysaccharidosis type 3C. Identifiers: Orphanet 581, Orphanet 79271, MedGen C0086649, MONDO:0009657, OMIM 252930.
Retinitis pigmentosa 73 (RP73). Identifiers: Orphanet 791, MedGen C4225287, MONDO:0014687, OMIM 616544.

Submission:

Labcorp Genetics (formerly Invitae), Labcorp
Classification: Uncertain significance for Retinitis pigmentosa 73; Mucopolysaccharidosis, MPS-III-C. Last evaluated: 2021-10-04. Review status: criteria provided, single submitter. Criteria: Invitae Variant Classification Sherloc (09022015). Collection method: clinical testing. Allele origin: germline.
Comment: This sequence change falls in intron 14 of the HGSNAT gene. It does not directly change the encoded amino acid sequence of the HGSNAT protein. In summary, the available evidence is currently insufficient to determine the role of this variant in disease. Therefore, it has been classified as a Variant of Uncertain Significance. Algorithms developed to predict the effect of sequence changes on RNA splicing suggest that this variant may create or strengthen a splice site. This variant has not been reported in the literature in individuals affected with HGSNAT-related conditions. This variant is not present in population databases (ExAC no frequency).

NM_152419.3(HGSNAT):c.1465-17T>A

Gene: HGSNAT (heparan-alpha-glucosaminide N-acetyltransferase; plus strand). Cytogenetic location: 8p11.21.
Variant type: single nucleotide variant.
Coding change: c.1465-17T>A on transcript NM_152419.3 (MANE Select); 17 bases into the intron before coding-DNA position 1465, T replaced by A.
Molecular consequence: intron variant.
Genome position (GRCh38, 1-based): chr8:43,196,931, T>A. VCF-style: chr8-43196931-T-A. GRCh37 (hg19) VCF-style: chr8-43052074-T-A.
Other names: c.1552-17T>A (NM_001363227.2); c.601-17T>A (NM_001363229.2); c.1273-17T>A (NM_001363228.2).
Identifiers: ClinVar variation 1450652 (VCV001450652.6), dbSNP rs764680385, ClinGen allele CA2573143124.